The following is an entry in ClinVar:

ClinVar aggregate classification (germline): Uncertain significance. Review status: criteria provided, multiple submitters, no conflicts (2 of 4 stars). 3 submissions from 3 submitters: Uncertain significance (3). Last evaluated 2025-06-22.

Conditions:
LZTS1-related disorder. Also called: LZTS1-related condition.

Allele frequency attached by ClinVar (database versions not stated): TOPMed 0.00001.
gnomAD v4.1: 11 of 1,613,896 alleles (0.00068%); highest among the groups gnomAD compares: East Asian, 0.0089%; no homozygotes.

Submissions (3):

Labcorp Genetics (formerly Invitae), Labcorp
Classification: Uncertain significance. Last evaluated: 2025-06-22. Review status: criteria provided, single submitter. Criteria: Invitae Variant Classification Sherloc (09022015). Collection method: clinical testing. Allele origin: germline.
Comment: This sequence change replaces lysine, which is basic and polar, with asparagine, which is neutral and polar, at codon 238 of the LZTS1 protein (p.Lys238Asn). This variant is present in population databases (no rsID available, gnomAD 0.006%). This variant has not been reported in the literature in individuals affected with LZTS1-related conditions. ClinVar contains an entry for this variant (Variation ID: 2191416). Invitae Evidence Modeling of protein sequence and biophysical properties (such as structural, functional, and spatial information, amino acid conservation, physicochemical variation, residue mobility, and thermodynamic stability) indicates that this missense variant is not expected to disrupt LZTS1 protein function with a negative predictive value of 80%. In summary, the available evidence is currently insufficient to determine the role of this variant in disease. Therefore, it has been classified as a Variant of Uncertain Significance.

PreventionGenetics, part of Exact Sciences
Classification: Uncertain significance for LZTS1-related condition. Last evaluated: 2025-05-09. Review status: criteria provided, single submitter. Criteria: ACMG Guidelines, 2015. Collection method: clinical testing. Allele origin: germline.
Comment: The LZTS1 c.714G>C variant is predicted to result in the amino acid substitution p.Lys238Asn. To our knowledge, this variant has not been reported in the literature. This variant is reported in 0.0054% of alleles in individuals of East Asian descent in gnomAD. At this time, the clinical significance of this variant is uncertain due to the absence of conclusive functional and genetic evidence.

Ambry Genetics
Classification: Uncertain significance. Last evaluated: 2024-10-01. Review status: criteria provided, single submitter. Criteria: Ambry Variant Classification Scheme 2023. Collection method: clinical testing. Allele origin: germline.

NM_021020.5(LZTS1):c.714G>C (p.Lys238Asn)

Gene: LZTS1 (leucine zipper tumor suppressor 1; minus strand). Cytogenetic location: 8p21.3.
Variant type: single nucleotide variant.
Coding change: c.714G>C on transcript NM_021020.5 (MANE Select); coding-DNA position 714, G replaced by C.
Protein change: p.Lys238Asn; replaces lysine 238 with asparagine.
Molecular consequence: missense variant.
Genome position (GRCh38, 1-based): chr8:20,253,217, C>G on the plus strand (G>C on the coding strand, the complement: LZTS1 is on the minus strand). VCF-style: chr8-20253217-C-G. GRCh37 (hg19) VCF-style: chr8-20110728-C-G.
Other names: c.714G>C (NM_021020.2, NM_021020.3); c.714G>C, p.Lys238Asn (NM_001362884.2); short protein forms K238N.
Identifiers: ClinVar variation 2191416 (VCV002191416.6), dbSNP rs1019810111, ClinGen allele CA173399440.